The following is an entry in ClinVar:

NM_032578.4(MYPN):c.3904G>T (p.Glu1302Ter)

Gene: MYPN (myopalladin; plus strand). Cytogenetic location: 10q21.3.
Variant type: single nucleotide variant.
Coding change: c.3904G>T on transcript NM_032578.4 (MANE Select); coding-DNA position 3904, G replaced by T.
Protein change: p.Glu1302Ter; replaces glutamic acid 1302 with a stop codon.
Molecular consequence: nonsense. On other transcripts: non-coding transcript variant (2).
Genome position (GRCh38, 1-based): chr10:68,210,396, G>T. VCF-style: chr10-68210396-G-T. GRCh37 (hg19) VCF-style: chr10-69970153-G-T.
Other names: c.3904G>T, p.Glu1302Ter (NM_001256267.2); c.3022G>T, p.Glu1008Ter (NM_001256268.2); short protein forms E1008*, E1302*.
Identifiers: ClinVar variation 2160483 (VCV002160483.1), dbSNP rs1463632812, ClinGen allele CA376830260.

ClinVar aggregate classification (germline): Uncertain significance (1 of 4 stars; one submission).

Conditions:
Dilated cardiomyopathy 1KK (CMD1KK). Identifiers: Orphanet 154, Orphanet 75249, MedGen C3714995, MONDO:0014100, OMIM 615248.

gnomAD v4.1: 2 of 1,614,158 alleles (0.00012%); highest among the groups gnomAD compares: Non-Finnish European, 0.00017%; no homozygotes.

Submission:

Labcorp Genetics (formerly Invitae), Labcorp
Classification: Uncertain significance for Dilated cardiomyopathy 1KK. Last evaluated: 2022-06-26. Review status: criteria provided, single submitter. Criteria: Invitae Variant Classification Sherloc (09022015). Collection method: clinical testing. Allele origin: germline.
Comment: This sequence change creates a premature translational stop signal (p.Glu1302*) in the MYPN gene. While this is not anticipated to result in nonsense mediated decay, it is expected to disrupt the last 19 amino acid(s) of the MYPN protein. This variant is not present in population databases (gnomAD no frequency). This variant has not been reported in the literature in individuals affected with MYPN-related conditions. In summary, the available evidence is currently insufficient to determine the role of this variant in disease. Therefore, it has been classified as a Variant of Uncertain Significance.